The following is an entry in ClinVar:

NM_032217.5(ANKRD17):c.5750T>C (p.Phe1917Ser)

Gene: ANKRD17 (ankyrin repeat domain 17; minus strand). Cytogenetic location: 4q13.3.
Variant type: single nucleotide variant.
Coding change: c.5750T>C on transcript NM_032217.5 (MANE Select); coding-DNA position 5750, T replaced by C.
Protein change: p.Phe1917Ser; replaces phenylalanine 1917 with serine.
Molecular consequence: missense variant.
Genome position (GRCh38, 1-based): chr4:73,091,878, A>G on the plus strand (T>C on the coding strand, the complement: ANKRD17 is on the minus strand). VCF-style: chr4-73091878-A-G. GRCh37 (hg19) VCF-style: chr4-73957595-A-G.
Other names: c.5411T>C, p.Phe1804Ser (NM_001286771.3); c.5747T>C, p.Phe1916Ser (NM_015574.2); c.4997T>C, p.Phe1666Ser (NM_198889.3); short protein forms F1666S, F1804S, F1916S, F1917S.
Identifiers: ClinVar variation 4880953 (VCV004880953.2).

ClinVar aggregate classification (germline): Uncertain significance (1 of 4 stars; one submission).

Submission:

Dasa
Classification: Uncertain significance. Last evaluated: 2024-07-22. Review status: criteria provided, single submitter. Criteria: DASA Assertion Criteria. Collection method: clinical testing. Allele origin: germline.
Comment: NM_032217.5(ANKRD17):c.5750T>C (p.Phe1917Ser) is a missense variant that results in the substitution of phenylalanine with serine. This variant is absent from population databases. The currently available literature and clinical evidence are not sufficient to establish a definitive association between this variant and the reported condition. Therefore, this variant is classified as a variant of uncertain significance.